The following is an entry in ClinVar:

ClinVar aggregate classification (germline): Uncertain significance. Review status: criteria provided, multiple submitters, no conflicts (2 of 4 stars). 3 submissions from 3 submitters: Uncertain significance (3). Last evaluated 2025-09-21.

Conditions:
Inborn genetic diseases. Identifiers: MedGen C0950123, MeSH D030342.
Intellectual disability-facial dysmorphism syndrome due to SETD5 haploinsufficiency (MRD23). Also called: Intellectual developmental disorder, autosomal dominant 23. Identifiers: Orphanet 404440, MedGen C3810406, MONDO:0014336, OMIM 615761.

Submissions (3):

GeneDx
Classification: Uncertain significance. Last evaluated: 2025-09-21. Review status: criteria provided, single submitter. Criteria: GeneDx Variant Classification Process June 2021. Collection method: clinical testing. Allele origin: germline. Affected: yes.
Comment: Not observed at significant frequency in large population cohorts (gnomAD); In silico analysis suggests that this missense variant does not alter protein structure/function; Previously identified in a proband from a cohort of patients with intellectual and developmental disability; however additional segregation and phenotypic data were not provided (PMID: 38059438); This variant is associated with the following publications: (PMID: 38059438)

Ambry Genetics
Classification: Uncertain significance for Inborn genetic diseases. Last evaluated: 2024-10-08. Review status: criteria provided, single submitter. Criteria: Ambry Variant Classification Scheme 2023. Collection method: clinical testing. Allele origin: germline.

Revvity Omics, Revvity
Classification: Uncertain significance for Intellectual disability-facial dysmorphism syndrome due to SETD5 haploinsufficiency. Last evaluated: 2023-03-02. Review status: criteria provided, single submitter. Criteria: ACMG Guidelines, 2015. Collection method: clinical testing. Allele origin: germline.

NM_001080517.3(SETD5):c.3647A>G (p.Glu1216Gly)

Gene: SETD5 (SET domain containing 5; plus strand). Cytogenetic location: 3p25.3.
Variant type: single nucleotide variant.
Coding change: c.3647A>G on transcript NM_001080517.3 (MANE Select); coding-DNA position 3647, A replaced by G.
Protein change: p.Glu1216Gly; replaces glutamic acid 1216 with glycine.
Molecular consequence: missense variant.
Genome position (GRCh38, 1-based): chr3:9,475,083, A>G. VCF-style: chr3-9475083-A-G. GRCh37 (hg19) VCF-style: chr3-9516767-A-G.
Other names: c.3353A>G, p.Glu1118Gly (NM_001292043.2, NM_001349451.2); short protein forms E1216G, E1118G.
Identifiers: ClinVar variation 429547 (VCV000429547.11), dbSNP rs1131691446, ClinGen allele CA351689912.